The following is an entry in ClinVar:

ClinVar aggregate classification (germline): Conflicting classifications of pathogenicity. Review status: criteria provided, conflicting classifications (1 of 4 stars). 2 submissions from 2 submitters: Uncertain significance (1); Likely benign (1). Last evaluated 2025-10-07.

Conditions:
Aortic aneurysm, familial thoracic 7 (AAT7). Also called: AORTIC DISSECTION, FAMILIAL, WITH OR WITHOUT AORTIC ANEURYSM. Identifiers: MedGen C3151077, MONDO:0013418, OMIM 613780.

Allele frequency attached by ClinVar (database versions not stated): gnomAD 0.00008; TOPMed 0.00013; gnomAD exomes 0.00021; 1000 Genomes Project 30x 0.00031; ESP Exome Variant Server 0.00031; ExAC 0.00039; 1000 Genomes Project 0.00040.
gnomAD v4.1: 118 of 1,565,586 alleles (0.0075%); highest among the groups gnomAD compares: East Asian, 0.04%; no homozygotes.

Submissions (2):

Labcorp Genetics (formerly Invitae), Labcorp
Classification: Likely benign for Aortic aneurysm, familial thoracic 7. Last evaluated: 2025-10-07. Review status: criteria provided, single submitter. Criteria: Invitae Variant Classification Sherloc (09022015). Collection method: clinical testing. Allele origin: germline.

GeneDx
Classification: Uncertain significance. Last evaluated: 2025-04-24. Review status: criteria provided, single submitter. Criteria: GeneDx Variant Classification Process June 2021. Collection method: clinical testing. Allele origin: germline. Affected: yes.
Comment: Has not been previously published as pathogenic or benign to our knowledge; In silico analysis indicates that this missense variant does not alter protein structure/function

NM_053025.4(MYLK):c.1693G>A (p.Val565Met)

Gene: MYLK (myosin light chain kinase; minus strand). Cytogenetic location: 3q21.1.
Variant type: single nucleotide variant.
Coding change: c.1693G>A on transcript NM_053025.4 (MANE Select); coding-DNA position 1693, G replaced by A.
Protein change: p.Val565Met; replaces valine 565 with methionine.
Molecular consequence: missense variant.
Genome position (GRCh38, 1-based): chr3:123,722,239, C>T on the plus strand (G>A on the coding strand, the complement: MYLK is on the minus strand). VCF-style: chr3-123722239-C-T. GRCh37 (hg19) VCF-style: chr3-123441086-C-T.
Other names: c.1165G>A, p.Val389Met (NM_001321309.2); c.1486G>A, p.Val496Met (NM_053026.4, NM_053028.4); c.1693G>A, p.Val565Met (NM_053027.4); short protein forms V565M, V389M, V496M.
Identifiers: ClinVar variation 571955 (VCV000571955.11), dbSNP rs370052625, ClinGen allele CA067413.